The following is an entry in ClinVar:

NM_012079.6(DGAT1):c.401dup (p.Cys135fs)

Gene: DGAT1 (diacylglycerol O-acyltransferase 1; minus strand). Cytogenetic location: 8q24.3.
Variant type: Duplication.
Coding change: c.401dup on transcript NM_012079.6 (MANE Select); coding-DNA position 401, one base duplicated (C; older notation c.401dupC).
Protein change: p.Cys135fs; shifts the reading frame from cysteine 135.
Molecular consequence: frameshift variant.
Genome position (GRCh38, 1-based): chr8:144,318,849, G duplicated on the plus strand (C on the coding strand, the reverse complement: DGAT1 is on the minus strand); the first of 4 consecutive G bases (chr8:144,318,849-144,318,852); duplicating any one gives the same sequence. VCF-style (leftmost placement, unchanged base first): chr8-144318848-T-TG. GRCh37 (hg19) VCF-style: chr8-145542511-T-TG.
Other names: short protein forms C135fs.
Identifiers: ClinVar variation 4779973 (VCV004779973.1).

ClinVar aggregate classification (germline): Pathogenic (1 of 4 stars; one submission).

Submission:

Labcorp Genetics (formerly Invitae), Labcorp
Classification: Pathogenic. Last evaluated: 2025-08-18. Review status: criteria provided, single submitter. Criteria: Invitae Variant Classification Sherloc (09022015). Collection method: clinical testing. Allele origin: germline.
Comment: This sequence change creates a premature translational stop signal (p.Cys135Metfs*17) in the DGAT1 gene. It is expected to result in an absent or disrupted protein product. Loss-of-function variants in DGAT1 are known to be pathogenic (PMID: 29604290). This variant is not present in population databases (gnomAD no frequency). This variant has not been reported in the literature in individuals affected with DGAT1-related conditions. For these reasons, this variant has been classified as Pathogenic.

Literature cited by the submitters: PubMed 29604290.